The following is an entry in ClinVar:

NM_177438.3(DICER1):c.1342G>A (p.Val448Met)

Gene: DICER1 (dicer 1, ribonuclease III; minus strand). Cytogenetic location: 14q32.13.
Variant type: single nucleotide variant.
Coding change: c.1342G>A on transcript NM_177438.3 (MANE Select); coding-DNA position 1342, G replaced by A.
Protein change: p.Val448Met; replaces valine 448 with methionine.
Molecular consequence: missense variant.
Genome position (GRCh38, 1-based): chr14:95,124,230, C>T on the plus strand (G>A on the coding strand, the complement: DICER1 is on the minus strand). VCF-style: chr14-95124230-C-T. GRCh37 (hg19) VCF-style: chr14-95590567-C-T.
Other names: c.1342G>A, p.Val448Met (NM_001195573.1, NM_001271282.3, NM_001291628.2 and 1 more transcripts); short protein forms V448M.
Identifiers: ClinVar variation 543561 (VCV000543561.16), dbSNP rs1555374618, ClinGen allele CA390886183.

ClinVar aggregate classification (germline): Uncertain significance. Review status: criteria provided, multiple submitters, no conflicts (2 of 4 stars). 3 submissions from 3 submitters: Uncertain significance (3). Last evaluated 2024-08-24.

Conditions:
DICER1-related tumor predisposition. Also called: DICER1-related pleuropulmonary blastoma cancer predisposition syndrome; DICER1 syndrome. Identifiers: Orphanet 284343, MedGen C3839822, MONDO:0100216.
Hereditary cancer-predisposing syndrome. Also called: Neoplastic Syndromes, Hereditary; Tumor predisposition; Hereditary Cancer Syndrome; Hereditary neoplastic syndrome. Identifiers: Orphanet 140162, MedGen C0027672, MeSH D009386, MONDO:0015356.

Allele frequency attached by ClinVar (database versions not stated): gnomAD exomes below 0.00001.
gnomAD v4.1: 1 of 1,613,848 alleles (0.000062%); highest among the groups gnomAD compares: Non-Finnish European, 0.000085%; no homozygotes.

Submissions (3):

Labcorp Genetics (formerly Invitae), Labcorp
Classification: Uncertain significance for DICER1-related tumor predisposition. Last evaluated: 2024-08-24. Review status: criteria provided, single submitter. Criteria: Invitae Variant Classification Sherloc (09022015). Collection method: clinical testing. Allele origin: germline.
Comment: This sequence change replaces valine, which is neutral and non-polar, with methionine, which is neutral and non-polar, at codon 448 of the DICER1 protein (p.Val448Met). This variant is not present in population databases (gnomAD no frequency). This variant has not been reported in the literature in individuals affected with DICER1-related conditions. ClinVar contains an entry for this variant (Variation ID: 543561). Invitae Evidence Modeling of protein sequence and biophysical properties (such as structural, functional, and spatial information, amino acid conservation, physicochemical variation, residue mobility, and thermodynamic stability) indicates that this missense variant is expected to disrupt DICER1 protein function with a positive predictive value of 80%. In summary, the available evidence is currently insufficient to determine the role of this variant in disease. Therefore, it has been classified as a Variant of Uncertain Significance.

Ambry Genetics
Classification: Uncertain significance for Hereditary cancer-predisposing syndrome. Last evaluated: 2022-11-07. Review status: criteria provided, single submitter. Criteria: Ambry Variant Classification Scheme 2023. Collection method: clinical testing. Allele origin: germline.
Comment: The p.V448M variant (also known as c.1342G>A), located in coding exon 7 of the DICER1 gene, results from a G to A substitution at nucleotide position 1342. The valine at codon 448 is replaced by methionine, an amino acid with highly similar properties. This amino acid position is conserved. In addition, this alteration is predicted to be deleterious by in silico analysis. Since supporting evidence is limited at this time, the clinical significance of this alteration remains unclear.

Institute for Clinical Genetics, University Hospital TU Dresden, University Hospital TU Dresden
Classification: Uncertain significance. Last evaluated: 2021-11-03. Review status: criteria provided, single submitter. Criteria: ACMG Guidelines, 2015. Collection method: clinical testing. Allele origin: germline.